The following is an entry in ClinVar:

NM_000138.5(FBN1):c.1345G>A (p.Val449Ile)

Gene: FBN1 (fibrillin 1; minus strand). Cytogenetic location: 15q21.1.
Variant type: single nucleotide variant.
Coding change: c.1345G>A on transcript NM_000138.5 (MANE Select); coding-DNA position 1345, G replaced by A.
Protein change: p.Val449Ile; replaces valine 449 with isoleucine.
Molecular consequence: missense variant.
Genome position (GRCh38, 1-based): chr15:48,515,510, C>T on the plus strand (G>A on the coding strand, the complement: FBN1 is on the minus strand). VCF-style: chr15-48515510-C-T. GRCh37 (hg19) VCF-style: chr15-48807707-C-T.
Other names: short protein forms V449I.
Identifiers: ClinVar variation 161243 (VCV000161243.23), dbSNP rs139058991, ClinGen allele CA012090.

ClinVar aggregate classification (germline): Conflicting classifications of pathogenicity. Review status: criteria provided, conflicting classifications (1 of 4 stars). 10 submissions from 10 submitters: Uncertain significance (5); Benign (1); Likely benign (4). Last evaluated 2026-04-27.

Conditions:
Marfan syndrome (MFS). Also called: Marfan syndrome, classic; FBN1-Related Marfan Syndrome; Marfan syndrome type 1; Marfan's syndrome; MARFAN SYNDROME, TYPE I. Identifiers: Orphanet 284963, Orphanet 558, MedGen C0024796, MONDO:0007947, OMIM 154700.
Familial thoracic aortic aneurysm and aortic dissection (TAAD). Also called: Thoracic aortic aneurysms and dissections. Identifiers: Orphanet 91387, MedGen C4707243, MONDO:0019625.

Allele frequency attached by ClinVar (database versions not stated): ExAC 0.00006; ESP Exome Variant Server 0.00015; TOPMed 0.00005; gnomAD exomes 0.00006; gnomAD 0.00009.
gnomAD v4.1: 76 of 1,613,854 alleles (0.0047%); highest among the groups gnomAD compares: Middle Eastern, 0.016%; no homozygotes.

Submissions (10):

Dasa
Classification: Uncertain significance for Marfan syndrome. Last evaluated: 2026-04-27. Review status: criteria provided, single submitter. Criteria: DASA Assertion Criteria. Collection method: clinical testing. Allele origin: germline.
Comment: NM_000138.5(FBN1):c.1345G>A (p.Val449Ile) is a missense variant that results in the substitution of valine with isoleucine. This classification is supported by population frequency inconsistent with a disease-causing role. The currently available literature and clinical evidence are not sufficient to establish a definitive association between this variant and the reported condition. Therefore, this variant is classified as a variant of uncertain significance.

Women's Health and Genetics/Laboratory Corporation of America, LabCorp
Classification: Likely benign. Last evaluated: 2025-12-09. Review status: criteria provided, single submitter. Criteria: LabCorp Variant Classification Summary - May 2015. Collection method: clinical testing. Allele origin: germline.
Comment: Variant summary: FBN1 c.1345G>A (p.Val449Ile) results in a conservative amino acid change in the encoded protein sequence. Algorithms developed to predict the effect of missense changes on protein structure and function all suggest that this variant is likely to be tolerated. The variant allele was found at a frequency of 6.7e-05 in 282568 control chromosomes, predominantly at a frequency of 0.00013 within the Non-Finnish European subpopulation in the gnomAD database. The observed variant frequency within Non-Finnish European control individuals in the gnomAD database exceeds the estimated maximal expected allele frequency for disease-causing variants in FBN1. c.1345G>A has been observed in individual(s) however do not meet definitive criteria for Marfan Syndrome (Rommel_2002, Rommel_2005, Baudhuin_2015). These report(s) do not provide unequivocal conclusions about association of the variant with Marfan Syndrome. At least one publication reports experimental evidence evaluating an impact on protein function, however, does not allow convincing conclusions about the variant effect (Massam-Wu_2010). The following publications have been ascertained in the context of this evaluation (PMID: 12402346, 16220557, 20699357, 24941995, 25652356, 25637381, 25812041). ClinVar contains an entry for this variant (Variation ID: 161243). Based on the evidence outlined above, the variant was classified as likely benign.

Labcorp Genetics (formerly Invitae), Labcorp
Classification: Benign for Marfan syndrome; Familial thoracic aortic aneurysm and aortic dissection. Last evaluated: 2025-11-21. Review status: criteria provided, single submitter. Criteria: Invitae Variant Classification Sherloc (09022015). Collection method: clinical testing. Allele origin: germline.

All of Us Research Program, National Institutes of Health
Classification: Likely benign for Marfan syndrome. Last evaluated: 2024-09-23. Review status: criteria provided, single submitter. Criteria: ACMG Guidelines, 2015. Collection method: clinical testing. Allele origin: germline. Inheritance: Autosomal dominant inheritance. Observed: 25 variant alleles, 25 heterozygotes.
Comment: This study involves interpretation of variants in research participants for the purpose of population health screening. Participant phenotype was not available at the time of variant classification. Additional details can be found in publication PMID: 35346344, PMCID: PMC8962531

Color Diagnostics, LLC DBA Color Health
Classification: Likely benign for Familial thoracic aortic aneurysm and aortic dissection. Last evaluated: 2024-09-12. Review status: criteria provided, single submitter. Criteria: ACMG Guidelines, 2015. Collection method: clinical testing. Allele origin: germline.

Ambry Genetics
Classification: Likely benign for Familial thoracic aortic aneurysm and aortic dissection. Last evaluated: 2024-04-17. Review status: criteria provided, single submitter. Criteria: Ambry Variant Classification Scheme 2023. Collection method: clinical testing. Allele origin: germline.

GeneDx
Classification: Uncertain significance. Last evaluated: 2023-09-15. Review status: criteria provided, single submitter. Criteria: GeneDx Variant Classification Process June 2021. Collection method: clinical testing. Allele origin: germline. Affected: yes.
Comment: Identified in a patient with dilated aortic root and tall stature; however, this individual did not have a typical Marfanoid appearance or ocular symptoms, did not meet diagnostic criteria for Marfan syndrome, and segregation studies to investigate whether the variant was present in the father with mitral valve insufficiency were not performed (Rommel et al., 2002); In silico analysis supports that this missense variant does not alter protein structure/function; Although located in a calcium-binding EGF-like domain of the FBN1 gene, it does not affect a cysteine residue within this domain; cysteine substitutions in the calcium-binding EGF-like domains represent the majority of pathogenic missense changes associated with FBN1-related disorders (Collod-Beroud et al., 2003); In vitro functional study suggests that variant p.V449I may affect FBN1 binding affinity; however, since experiments were conducted using FBN1 fragments rather than full-length FBN1, additional studies required (Chaudry et al., 2007); This variant is associated with the following publications: (PMID: 25652356, 24941995, 25812041, 25637381, 12402346, 17242066, 31211626)

CHEO Genetics Diagnostic Laboratory, Children's Hospital of Eastern Ontario
Classification: Uncertain significance for Familial thoracic aortic aneurysm and aortic dissection. Last evaluated: 2018-03-27. Review status: criteria provided, single submitter. Criteria: ACMG Guidelines, 2015. Collection method: clinical testing. Allele origin: germline.

Laboratory for Molecular Medicine, Mass General Brigham Personalized Medicine
Classification: Uncertain significance. Last evaluated: 2016-04-25. Review status: criteria provided, single submitter. Criteria: LMM Criteria. Collection method: clinical testing. Allele origin: germline.
Comment: Variant identified in a genome or exome case(s) and assessed due to predicted null impact of the variant or pathogenic assertions in the literature or databases. Disclaimer: This variant has not undergone full assessment. ExAC: 1/8604 East Asian chromosomes

CSER _CC_NCGL, University of Washington
Classification: Uncertain significance for Marfan syndrome. Last evaluated: 2014-06-01. Review status: criteria provided, single submitter. Criteria: Amendola et al. (Genome Res. 2015). Collection method: research. Allele origin: germline. Inheritance: Autosomal dominant inheritance. Study: ESP 6500 variant annotation.
Comment: Low GERP score may suggest that this variant may belong in a lower pathogenicity class

Variants classified for the Actionable exomic incidental findings in 6503 participants: challenges of variant classification manuscript

Literature cited by the submitters: PubMed 12402346 (cited by Women's Health and Genetics/Laboratory Corporation of America, LabCorp and Ambry Genetics); PubMed 16220557 (cited by Women's Health and Genetics/Laboratory Corporation of America, LabCorp and Ambry Genetics); PubMed 20699357 (cited by Women's Health and Genetics/Laboratory Corporation of America, LabCorp); PubMed 24941995 (cited by Women's Health and Genetics/Laboratory Corporation of America, LabCorp); PubMed 25652356 (cited by Women's Health and Genetics/Laboratory Corporation of America, LabCorp and Ambry Genetics); PubMed 25637381 (cited by Women's Health and Genetics/Laboratory Corporation of America, LabCorp); PubMed 25812041 (cited by Women's Health and Genetics/Laboratory Corporation of America, LabCorp).